The following is an entry in ClinVar:

NM_032447.5(FBN3):c.2759G>T (p.Arg920Leu)

Gene: FBN3 (fibrillin 3; minus strand). Cytogenetic location: 19p13.2.
Variant type: single nucleotide variant.
Coding change: c.2759G>T on transcript NM_032447.5 (MANE Select); coding-DNA position 2759, G replaced by T.
Protein change: p.Arg920Leu; replaces arginine 920 with leucine.
Molecular consequence: missense variant.
Genome position (GRCh38, 1-based): chr19:8,123,981, C>A on the plus strand (G>T on the coding strand, the complement: FBN3 is on the minus strand). VCF-style: chr19-8123981-C-A. GRCh37 (hg19) VCF-style: chr19-8188865-C-A.
Other names: c.2759G>T, p.Arg920Leu (NM_001321431.2); short protein forms R920L.
Identifiers: ClinVar variation 1506172 (VCV001506172.6), dbSNP rs377629999, ClinGen allele CA403694564.

ClinVar aggregate classification (germline): Uncertain significance (1 of 4 stars; one submission).

Allele frequency attached by ClinVar (database versions not stated): TOPMed below 0.00001.

Submission:

Labcorp Genetics (formerly Invitae), Labcorp
Classification: Uncertain significance. Last evaluated: 2021-05-20. Review status: criteria provided, single submitter. Criteria: Invitae Variant Classification Sherloc (09022015). Collection method: clinical testing. Allele origin: germline.
Comment: This sequence change replaces arginine with leucine at codon 920 of the FBN3 protein (p.Arg920Leu). The arginine residue is moderately conserved and there is a moderate physicochemical difference between arginine and leucine. This variant is not present in population databases (ExAC no frequency). This variant has not been reported in the literature in individuals with FBN3-related conditions. Algorithms developed to predict the effect of missense changes on protein structure and function are either unavailable or do not agree on the potential impact of this missense change (SIFT: "Not Available"; PolyPhen-2: "Benign"; Align-GVGD: "Not Available"). In summary, the available evidence is currently insufficient to determine the role of this variant in disease. Therefore, it has been classified as a Variant of Uncertain Significance.